The following is an entry in ClinVar:

ClinVar aggregate classification (germline): Uncertain significance (1 of 4 stars; one submission).

Conditions:
Inborn genetic diseases. Identifiers: MedGen C0950123, MeSH D030342.

Submission:

Ambry Genetics
Classification: Uncertain significance for Inborn genetic diseases. Last evaluated: 2026-04-28. Review status: criteria provided, single submitter. Criteria: Ambry Variant Classification Scheme 2023. Collection method: clinical testing. Allele origin: germline.
Comment: The p.A333T variant (also known as c.997G>A), located in coding exon 5 of the RECQL4 gene, results from a G to A substitution at nucleotide position 997. The alanine at codon 333 is replaced by threonine, an amino acid with similar properties. This amino acid position is conserved. In addition, this alteration is predicted to be tolerated by in silico analysis. Based on the available evidence, the clinical significance of this variant remains unclear.

NM_004260.4(RECQL4):c.997G>A (p.Ala333Thr)

Gene: RECQL4 (RecQ like helicase 4; minus strand). Cytogenetic location: 8q24.3.
Variant type: single nucleotide variant.
Coding change: c.997G>A on transcript NM_004260.4 (MANE Select); coding-DNA position 997, G replaced by A.
Protein change: p.Ala333Thr; replaces alanine 333 with threonine.
Molecular consequence: missense variant. On other transcripts: 5 prime UTR variant (16), non-coding transcript variant (3), intron variant (3).
Genome position (GRCh38, 1-based): chr8:144,516,122, C>T on the plus strand (G>A on the coding strand, the complement: RECQL4 is on the minus strand). VCF-style: chr8-144516122-C-T. GRCh37 (hg19) VCF-style: chr8-145741506-C-T.
Other names: c.-137G>A (NM_001413031.1, NM_001413032.1, NM_001413041.1 and 2 more transcripts); c.997G>A, p.Ala333Thr (NM_001413033.1, NM_001413036.1, NM_001413039.1 and 2 more transcripts); c.-75G>A (NM_001413035.1, NM_001413037.1, NM_001413038.1 and 7 more transcripts); c.-344G>A (NM_001413043.1); c.953+44G>A (NM_001413017.1, NM_001413020.1); c.-23+44G>A (NM_001413034.1); c.868G>A, p.Ala290Thr (NM_001413025.1); c.646G>A, p.Ala216Thr (NM_001413029.1); short protein forms A216T, A290T, A333T.
Identifiers: ClinVar variation 4863175 (VCV004863175.1).